The following is an entry in ClinVar:

NM_005359.6(SMAD4):c.1200G>A (p.Arg400=)

Gene: SMAD4 (SMAD family member 4; plus strand). Cytogenetic location: 18q21.2.
Variant type: single nucleotide variant.
Coding change: c.1200G>A on transcript NM_005359.6 (MANE Select); coding-DNA position 1200, G replaced by A.
Protein change: p.Arg400=; no amino-acid change (arginine 400 retained).
Molecular consequence: synonymous variant.
Genome position (GRCh38, 1-based): chr18:51,067,079, G>A. VCF-style: chr18-51067079-G-A. GRCh37 (hg19) VCF-style: chr18-48593449-G-A.
Identifiers: ClinVar variation 744120 (VCV000744120.12), dbSNP rs876658516, ClinGen allele CA503874238.
Genomic context (GRCh38, chr18:51,067,079, plus strand): 5'-GTTGCACATAGGCAAAGGTGTGCAGTTGGAATGTAAAGGTGAAGGTGATGTTTGGGTCAG[G>A]TGCCTTAGTGACCACGCGGTCTTTGTACAGAGTTACTACTTAGACAGAGAAGCTGGGCGT-3'
Protein context (NP_005350.1, residues 390-410): ECKGEGDVWV[Arg400=]CLSDHAVFVQ

ClinVar aggregate classification (germline): Benign/Likely benign. Review status: criteria provided, multiple submitters, no conflicts (2 of 4 stars). 3 submissions from 3 submitters: Benign (1); Likely benign (2). Last evaluated 2025-03-21.

Conditions:
Hereditary cancer-predisposing syndrome. Also called: Hereditary neoplastic syndrome; Neoplastic Syndromes, Hereditary; Tumor predisposition; Hereditary Cancer Syndrome. Identifiers: Orphanet 140162, MedGen C0027672, MeSH D009386, MONDO:0015356.
Familial thoracic aortic aneurysm and aortic dissection (TAAD). Also called: Thoracic aortic aneurysms and dissections. Identifiers: Orphanet 91387, MedGen C4707243, MONDO:0019625.
Juvenile polyposis syndrome (JPS). Identifiers: Orphanet 2929, MedGen C0345893, MONDO:0017380, OMIM 174900.
Juvenile polyposis/hereditary hemorrhagic telangiectasia syndrome (JPHT). Also called: Juvenile Polyposis Syndrome / Hereditary Hemorrhagic Telangiectasia (JPS/HHT); JP/HHT SYNDROME; JUVENILE POLYPOSIS WITH HEREDITARY HEMORRHAGIC TELANGIECTASIA; POLYPOSIS, GENERALIZED JUVENILE, WITH PULMONARY ARTERIOVENOUS MALFORMATION; TELANGIECTASIA, HEREDITARY HEMORRHAGIC, WITH JUVENILE POLYPOSIS COLI. Identifiers: Orphanet 2929, MedGen C1832942, MONDO:0008278, OMIM 175050.

Submissions (3):

Myriad Genetics, Inc.
Classification: Benign for Juvenile polyposis/hereditary hemorrhagic telangiectasia syndrome. Last evaluated: 2025-03-21. Review status: criteria provided, single submitter. Criteria: Myriad Autosomal Dominant, Autosomal Recessive and X-Linked Classification Criteria (2023). Collection method: clinical testing. Allele origin: unknown.
Comment: This variant is considered benign. This variant is a silent/synonymous amino acid change and it is not expected to impact splicing.

Ambry Genetics
Classification: Likely benign for Hereditary cancer-predisposing syndrome; Familial thoracic aortic aneurysm and aortic dissection. Last evaluated: 2024-11-21. Review status: criteria provided, single submitter. Criteria: Ambry Variant Classification Scheme 2023. Collection method: clinical testing. Allele origin: germline.

Labcorp Genetics (formerly Invitae), Labcorp
Classification: Likely benign for Juvenile polyposis syndrome. Last evaluated: 2023-03-03. Review status: criteria provided, single submitter. Criteria: Invitae Variant Classification Sherloc (09022015). Collection method: clinical testing. Allele origin: germline.